The following is an entry in ClinVar:

NM_021072.4(HCN1):c.1042G>A (p.Ala348Thr)

Gene: HCN1 (hyperpolarization activated cyclic nucleotide gated potassium channel 1; minus strand). Cytogenetic location: 5p12.
Variant type: single nucleotide variant.
Coding change: c.1042G>A on transcript NM_021072.4 (MANE Select); coding-DNA position 1042, G replaced by A.
Protein change: p.Ala348Thr; replaces alanine 348 with threonine.
Molecular consequence: missense variant.
Genome position (GRCh38, 1-based): chr5:45,396,680, C>T on the plus strand (G>A on the coding strand, the complement: HCN1 is on the minus strand). VCF-style: chr5-45396680-C-T. GRCh37 (hg19) VCF-style: chr5-45396782-C-T.
Other names: short protein forms A348T.
Identifiers: ClinVar variation 1499661 (VCV001499661.7), dbSNP rs1333872397, ClinGen allele CA359705570.

ClinVar aggregate classification (germline): Uncertain significance (1 of 4 stars; one submission).

Conditions:
Early-infantile DEE. Also called: Early infantile epileptic encephalopathy; Ohtahara syndrome; Early infantile epileptic encephalopathy with suppression bursts. Identifiers: Orphanet 1934, MedGen C0393706, MONDO:0800491.

Allele frequency attached by ClinVar (database versions not stated): gnomAD exomes below 0.00001; TOPMed below 0.00001; gnomAD 0.00001.
gnomAD v4.1: 3 of 1,613,436 alleles (0.00019%); highest among the groups gnomAD compares: Non-Finnish European, 0.00025%; no homozygotes.

Submission:

Labcorp Genetics (formerly Invitae), Labcorp
Classification: Uncertain significance for Early-infantile DEE. Last evaluated: 2021-10-18. Review status: criteria provided, single submitter. Criteria: Invitae Variant Classification Sherloc (09022015). Collection method: clinical testing. Allele origin: germline.
Comment: This sequence change replaces alanine with threonine at codon 348 of the HCN1 protein (p.Ala348Thr). The alanine residue is highly conserved and there is a small physicochemical difference between alanine and threonine. This variant is not present in population databases (ExAC no frequency). This variant has not been reported in the literature in individuals affected with HCN1-related conditions. This missense change has been observed in at least one individual who was not affected with HCN1-related conditions (Invitae). Advanced modeling of protein sequence and biophysical properties (such as structural, functional, and spatial information, amino acid conservation, physicochemical variation, residue mobility, and thermodynamic stability) performed at Invitae indicates that this missense variant is expected to disrupt HCN1 protein function. In summary, the available evidence is currently insufficient to determine the role of this variant in disease. Therefore, it has been classified as a Variant of Uncertain Significance.